The following is an entry in ClinVar:

ClinVar aggregate classification (germline): Uncertain significance (1 of 4 stars; one submission).

Conditions:
TTC21B-related disorder. Also called: TTC21B-related disorders; TTC21B-related condition.

gnomAD v4.1: 1 of 1,613,976 alleles (0.000062%); highest among the groups gnomAD compares: East Asian, 0.0022%; no homozygotes.

Submission:

PreventionGenetics, part of Exact Sciences
Classification: Uncertain significance for TTC21B-related condition. Last evaluated: 2025-03-19. Review status: criteria provided, single submitter. Criteria: ACMG Guidelines, 2015. Collection method: clinical testing. Allele origin: germline.
Comment: The TTC21B c.1589T>C variant is predicted to result in the amino acid substitution p.Leu530Pro. To our knowledge, this variant has not been reported in the literature or in a large population database (gnomAD), indicating this variant is rare. At this time, the clinical significance of this variant is uncertain due to the absence of conclusive functional and genetic evidence.

NM_024753.5(TTC21B):c.1589T>C (p.Leu530Pro)

Gene: TTC21B (tetratricopeptide repeat domain 21B; minus strand). Cytogenetic location: 2q24.3.
Variant type: single nucleotide variant.
Coding change: c.1589T>C on transcript NM_024753.5 (MANE Select); coding-DNA position 1589, T replaced by C.
Protein change: p.Leu530Pro; replaces leucine 530 with proline.
Molecular consequence: missense variant.
Genome position (GRCh38, 1-based): chr2:165,919,361, A>G on the plus strand (T>C on the coding strand, the complement: TTC21B is on the minus strand). VCF-style: chr2-165919361-A-G. GRCh37 (hg19) VCF-style: chr2-166775871-A-G.
Other names: short protein forms L530P.
Identifiers: ClinVar variation 5001358 (VCV005001358.1).